The following is an entry in ClinVar:

NM_003435.5(ZNF134):c.40+93A>C

Gene: ZNF134 (zinc finger protein 134; plus strand). Cytogenetic location: 19q13.43.
Variant type: single nucleotide variant.
Coding change: c.40+93A>C on transcript NM_003435.5 (MANE Select); 93 bases into the intron after coding-DNA position 40, A replaced by C.
Molecular consequence: intron variant.
Genome position (GRCh38, 1-based): chr19:57,619,601, A>C. VCF-style: chr19-57619601-A-C. GRCh37 (hg19) VCF-style: chr19-58130969-A-C.
Identifiers: ClinVar variation 2650575 (VCV002650575.24), dbSNP rs753158960, ClinGen allele CA9702923.
Genomic context (GRCh38, chr19:57,619,601, plus strand): 5'-GGGCTGGGTTCCTGTAGTTCCGGAAACCTATGTTGTGCCCATCACAAGTGCCAAGGCCAG[A>C]GGCCCTAACTTATTTCTACCTTTTTATCCCCATTCTGTACACTCTTGTCATTTCTAATCT-3'

ClinVar aggregate classification (germline): Likely benign (1 of 4 stars; one submission).

Allele frequency attached by ClinVar (database versions not stated): gnomAD exomes 0.00003; gnomAD 0.00005; ExAC 0.00010.
gnomAD v4.1: 56 of 1,358,300 alleles (0.0041%); highest among the groups gnomAD compares: Non-Finnish European, 0.0005%; no homozygotes.

Submission:

CeGaT Center for Human Genetics Tuebingen
Classification: Likely benign. Last evaluated: 2023-03-01. Review status: criteria provided, single submitter. Criteria: CeGaT Center For Human Genetics Tuebingen Variant Classification Criteria Version 2. Collection method: clinical testing. Allele origin: germline. Affected: yes. Observed: 1 variant allele.
Comment: ZNF134: BP4, BP7